The following is an entry in ClinVar:

ClinVar aggregate classification (germline): Uncertain significance (1 of 4 stars; one submission).

Submission:

Labcorp Genetics (formerly Invitae), Labcorp
Classification: Uncertain significance. Last evaluated: 2025-10-07. Review status: criteria provided, single submitter. Criteria: Invitae Variant Classification Sherloc (09022015). Collection method: clinical testing. Allele origin: germline.
Comment: This sequence change replaces methionine, which is neutral and non-polar, with isoleucine, which is neutral and non-polar, at codon 1275 of the SMARCA2 protein (p.Met1275Ile). This variant is not present in population databases (gnomAD no frequency). This variant has not been reported in the literature in individuals affected with SMARCA2-related conditions. Invitae Evidence Modeling of protein sequence and biophysical properties (such as structural, functional, and spatial information, amino acid conservation, physicochemical variation, residue mobility, and thermodynamic stability) indicates that this missense variant is not expected to disrupt SMARCA2 protein function with a negative predictive value of 80%. In summary, the available evidence is currently insufficient to determine the role of this variant in disease. Therefore, it has been classified as a Variant of Uncertain Significance.

NM_003070.5(SMARCA2):c.3825G>T (p.Met1275Ile)

Gene: SMARCA2 (SWI/SNF related BAF chromatin remodeling complex subunit ATPase 2; plus strand). Cytogenetic location: 9p24.3.
Variant type: single nucleotide variant.
Coding change: c.3825G>T on transcript NM_003070.5 (MANE Select); coding-DNA position 3825, G replaced by T.
Protein change: p.Met1275Ile; replaces methionine 1275 with isoleucine.
Molecular consequence: missense variant.
Genome position (GRCh38, 1-based): chr9:2,123,781, G>T. VCF-style: chr9-2123781-G-T. GRCh37 (hg19) VCF-style: chr9-2123781-G-T.
Other names: c.3825G>T, p.Met1275Ile (NM_001289396.2, NM_139045.4); c.3651G>T, p.Met1217Ile (NM_001289397.2); short protein forms M1217I, M1275I.
Identifiers: ClinVar variation 4699648 (VCV004699648.1).